The following is an entry in ClinVar:

NM_020831.6(MRTFA):c.1259C>T (p.Ser420Leu)

Gene: MRTFA (myocardin related transcription factor A; minus strand). Cytogenetic location: 22q13.1.
Variant type: single nucleotide variant.
Coding change: c.1259C>T on transcript NM_020831.6 (MANE Select); coding-DNA position 1259, C replaced by T.
Protein change: p.Ser420Leu; replaces serine 420 with leucine.
Molecular consequence: missense variant.
Genome position (GRCh38, 1-based): chr22:40,420,499, G>A on the plus strand (C>T on the coding strand, the complement: MRTFA is on the minus strand). VCF-style: chr22-40420499-G-A. GRCh37 (hg19) VCF-style: chr22-40816503-G-A.
Other names: c.959C>T, p.Ser320Leu (NM_001282660.2); c.1109C>T, p.Ser370Leu (NM_001282661.3); c.1259C>T, p.Ser420Leu (NM_001282662.3); c.1064C>T, p.Ser355Leu (NM_001318139.2); c.959C>T (NM_020831.3); short protein forms S320L, S355L, S370L, S420L.
Identifiers: ClinVar variation 1683099 (VCV001683099.10), dbSNP rs116889416, ClinGen allele CA10249729.

ClinVar aggregate classification (germline): Uncertain significance. Review status: criteria provided, multiple submitters, no conflicts (2 of 4 stars). 2 submissions from 2 submitters: Uncertain significance (2). Last evaluated 2025-12-15.

Allele frequency attached by ClinVar (database versions not stated): gnomAD 0.00009; gnomAD exomes 0.00013 and 0.00015; TOPMed 0.00013; 1000 Genomes Project 30x 0.00016; ExAC 0.00018; 1000 Genomes Project 0.00020; ESP Exome Variant Server 0.00031.
gnomAD v4.1: 197 of 1,613,766 alleles (0.012%); highest among the groups gnomAD compares: Middle Eastern, 0.017%; 1 homozygote.

Submissions (2):

Labcorp Genetics (formerly Invitae), Labcorp
Classification: Uncertain significance. Last evaluated: 2025-12-15. Review status: criteria provided, single submitter. Criteria: Invitae Variant Classification Sherloc (09022015). Collection method: clinical testing. Allele origin: germline.
Comment: This sequence change replaces serine, which is neutral and polar, with leucine, which is neutral and non-polar, at codon 320 of the MKL1 protein (p.Ser320Leu). This variant is present in population databases (rs116889416, gnomAD 0.02%). This variant has not been reported in the literature in individuals affected with MKL1-related conditions. ClinVar contains an entry for this variant (Variation ID: 1683099). An algorithm developed to predict the effect of missense changes on protein structure and function (PolyPhen-2) suggests that this variant is likely to be tolerated. In summary, the available evidence is currently insufficient to determine the role of this variant in disease. Therefore, it has been classified as a Variant of Uncertain Significance.

Ambry Genetics
Classification: Uncertain significance. Last evaluated: 2024-07-17. Review status: criteria provided, single submitter. Criteria: Ambry Variant Classification Scheme 2023. Collection method: clinical testing. Allele origin: germline.